The following is an entry in ClinVar:

NM_025137.4(SPG11):c.4978A>G (p.Ile1660Val)

Gene: SPG11 (SPG11 vesicle trafficking associated, spatacsin; minus strand). Cytogenetic location: 15q21.1.
Variant type: single nucleotide variant.
Coding change: c.4978A>G on transcript NM_025137.4 (MANE Select); coding-DNA position 4978, A replaced by G.
Protein change: p.Ile1660Val; replaces isoleucine 1660 with valine.
Molecular consequence: missense variant.
Genome position (GRCh38, 1-based): chr15:44,585,779, T>C on the plus strand (A>G on the coding strand, the complement: SPG11 is on the minus strand). VCF-style: chr15-44585779-T-C. GRCh37 (hg19) VCF-style: chr15-44877977-T-C.
Other names: c.4978A>G, p.Ile1660Val (NM_001160227.2, NM_001411132.1); c.4978A>G (NM_025137.3); short protein forms I1660V.
Identifiers: ClinVar variation 3626716 (VCV003626716.3).

ClinVar aggregate classification (germline): Uncertain significance. Review status: criteria provided, multiple submitters, no conflicts (2 of 4 stars). 2 submissions from 2 submitters: Uncertain significance (2). Last evaluated 2025-07-16.

Conditions:
Inborn genetic diseases. Identifiers: MedGen C0950123, MeSH D030342.
Hereditary spastic paraplegia 11. Also called: Nakamura Osame syndrome; Autosomal recessive hereditary spastic paraplegia, mental impairment, and thin corpus callosum; Spastic paraplegia, mental retardation and thin corpus callosum; SPASTIC PARAPLEGIA, AUTOSOMAL RECESSIVE, COMPLICATED, WITH THIN CORPUS CALLOSUM; SPASTIC PARAPLEGIA, AUTOSOMAL RECESSIVE, WITH MENTAL IMPAIRMENT AND THIN CORPUS CALLOSUM; Spastic Paraplegia 11. Identifiers: Orphanet 2822, MedGen C1858479, MONDO:0011445, OMIM 604360.

gnomAD v4.1: 8 of 1,613,966 alleles (0.0005%); highest among the groups gnomAD compares: Admixed American, 0.0083%; no homozygotes.

Submissions (2):

Ambry Genetics
Classification: Uncertain significance for Inborn genetic diseases. Last evaluated: 2025-07-16. Review status: criteria provided, single submitter. Criteria: Ambry Variant Classification Scheme 2023. Collection method: clinical testing. Allele origin: germline.

Labcorp Genetics (formerly Invitae), Labcorp
Classification: Uncertain significance for Hereditary spastic paraplegia 11. Last evaluated: 2024-04-23. Review status: criteria provided, single submitter. Criteria: Invitae Variant Classification Sherloc (09022015). Collection method: clinical testing. Allele origin: germline.
Comment: This sequence change replaces isoleucine, which is neutral and non-polar, with valine, which is neutral and non-polar, at codon 1660 of the SPG11 protein (p.Ile1660Val). This variant is present in population databases (no rsID available, gnomAD 0.006%). This variant has not been reported in the literature in individuals affected with SPG11-related conditions. Advanced modeling of protein sequence and biophysical properties (such as structural, functional, and spatial information, amino acid conservation, physicochemical variation, residue mobility, and thermodynamic stability) performed at Invitae indicates that this missense variant is not expected to disrupt SPG11 protein function with a negative predictive value of 80%. In summary, the available evidence is currently insufficient to determine the role of this variant in disease. Therefore, it has been classified as a Variant of Uncertain Significance.